The following is an entry in ClinVar:

NM_022124.6(CDH23):c.7973A>G (p.Asn2658Ser)

Genes: CDH23 (cadherin related 23; plus strand), LOC111982869 (Sharpr-MPRA regulatory region 2121; plus strand). Cytogenetic location: 10q22.1.
Variant type: single nucleotide variant.
Coding change: c.7973A>G on transcript NM_022124.6 (MANE Select); coding-DNA position 7973, A replaced by G.
Protein change: p.Asn2658Ser; replaces asparagine 2658 with serine.
Molecular consequence: missense variant.
Genome position (GRCh38, 1-based): chr10:71,805,906, A>G. VCF-style: chr10-71805906-A-G. GRCh37 (hg19) VCF-style: chr10-73565663-A-G.
Other names: c.1253A>G, p.Asn418Ser (NM_001171933.1, NM_001171934.1); short protein forms N2658S, N418S.
Identifiers: ClinVar variation 3900814 (VCV003900814.1).
Genomic context (GRCh38, chr10:71,805,906, plus strand): 5'-CGGACAAGGATGAGGGCCTCAACGGGGCGGTGCGCTACAGCTTCCTGAAGACTGCGGGCA[A>G]CCGGGACTGGGAGTTCTTCATCATCGACCCAATCAGCGGCCTCATCCAGACTGCTCAGCG-3'
Protein context (NP_071407.4, residues 2648-2668): VRYSFLKTAG[Asn2658Ser]RDWEFFIIDP

ClinVar aggregate classification (germline): Uncertain significance (1 of 4 stars; one submission).

gnomAD v4.1: 3 of 1,613,668 alleles (0.00019%); highest among the groups gnomAD compares: Admixed American, 0.0017%; no homozygotes.

Submission:

GeneDx
Classification: Uncertain significance. Last evaluated: 2024-12-02. Review status: criteria provided, single submitter. Criteria: GeneDx Variant Classification Process June 2021. Collection method: clinical testing. Allele origin: germline. Affected: yes.
Comment: Not observed at significant frequency in large population cohorts (gnomAD); In silico analysis indicates that this missense variant does not alter protein structure/function; Has not been previously published as pathogenic or benign to our knowledge